The following is an entry in ClinVar:

NM_000051.4(ATM):c.1222G>A (p.Asp408Asn)

Gene: ATM (ATM serine/threonine kinase; plus strand). Cytogenetic location: 11q22.3.
Variant type: single nucleotide variant.
Coding change: c.1222G>A on transcript NM_000051.4 (MANE Select); coding-DNA position 1222, G replaced by A.
Protein change: p.Asp408Asn; replaces aspartic acid 408 with asparagine.
Molecular consequence: missense variant.
Genome position (GRCh38, 1-based): chr11:108,249,089, G>A. VCF-style: chr11-108249089-G-A. GRCh37 (hg19) VCF-style: chr11-108119816-G-A.
Other names: c.1222G>A, p.Asp408Asn (NM_001351834.2); short protein forms D408N.
Identifiers: ClinVar variation 220493 (VCV000220493.27), dbSNP rs864622548, ClinGen allele CA350858.

ClinVar aggregate classification (germline): Uncertain significance. Review status: criteria provided, multiple submitters, no conflicts (2 of 4 stars). 7 submissions from 7 submitters: Uncertain significance (6). 1 of the submissions does not count toward it. Last evaluated 2025-11-18.

Conditions:
Hereditary cancer-predisposing syndrome. Also called: Tumor predisposition; Hereditary neoplastic syndrome; Neoplastic Syndromes, Hereditary; Hereditary Cancer Syndrome. Identifiers: Orphanet 140162, MedGen C0027672, MeSH D009386, MONDO:0015356.
Ataxia-telangiectasia syndrome (AT). Also called: Ataxia-telangiectasia, complementation group E; AT, COMPLEMENTATION GROUP C; ATAXIA-TELANGIECTASIA, COMPLEMENTATION GROUP A; ATAXIA-TELANGIECTASIA, FRESNO VARIANT; Ataxia-telangiectasia; LOUIS-BAR SYNDROME. Identifiers: Orphanet 100, MedGen C0004135, MONDO:0008840, OMIM 208900.

Allele frequency attached by ClinVar (database versions not stated): TOPMed below 0.00001; gnomAD 0.00001.
gnomAD v4.1: 1 of 1,613,780 alleles (0.000062%); highest among the groups gnomAD compares: Admixed American, 0.0017%; no homozygotes.

Submissions (7):

Labcorp Genetics (formerly Invitae), Labcorp
Classification: Uncertain significance for Ataxia-telangiectasia syndrome. Last evaluated: 2025-11-18. Review status: criteria provided, single submitter. Criteria: Invitae Variant Classification Sherloc (09022015). Collection method: clinical testing. Allele origin: germline.
Comment: This sequence change replaces aspartic acid, which is acidic and polar, with asparagine, which is neutral and polar, at codon 408 of the ATM protein (p.Asp408Asn). This variant is not present in population databases (gnomAD no frequency). This variant has not been reported in the literature in individuals affected with ATM-related conditions. ClinVar contains an entry for this variant (Variation ID: 220493). Invitae Evidence Modeling of protein sequence and biophysical properties (such as structural, functional, and spatial information, amino acid conservation, physicochemical variation, residue mobility, and thermodynamic stability) indicates that this missense variant is not expected to disrupt ATM protein function with a negative predictive value of 95%. Algorithms developed to predict the effect of sequence changes on RNA splicing suggest that this variant may disrupt the consensus splice site. In summary, the available evidence is currently insufficient to determine the role of this variant in disease. Therefore, it has been classified as a Variant of Uncertain Significance.

GeneDx
Classification: Uncertain significance. Last evaluated: 2025-06-11. Review status: criteria provided, single submitter. Criteria: GeneDx Variant Classification Process June 2021. Collection method: clinical testing. Allele origin: germline. Affected: yes.
Comment: Not observed at significant frequency in large population cohorts (gnomAD); In silico analysis suggests that this missense variant does not alter protein structure/function; Has not been previously published as pathogenic or benign to our knowledge; In silico analysis is inconclusive as to whether the variant alters gene splicing. In the absence of RNA/functional studies, the actual effect of this sequence change is unknown.

Molecular Diagnostics Laboratory, Catalan Institute of Oncology
Classification: Uncertain significance for Hereditary cancer-predisposing syndrome. Last evaluated: 2025-05-28. Review status: criteria provided, single submitter. Criteria: ClinGen ACMG Specifications ATM V1.1.0. Collection method: clinical testing. Allele origin: germline.
Comment: PM2_supporting c.1222G>A, located in exon 9 of the ATM gene, is predicted to result in the substitution of Asp by Asn at codon 408, p.(Asp408Asn). It is not present in the population database gnomAD v2.1.1, non cancer dataset (PM2_supporting). The REVEL meta-predictor score for this variant (0.138) suggests that it does not affect the protein function, and SpliceAI algorithm predicts the loss of the canonical donor site (DonorLoss deltascore: 0.29), but the score is below 0.5 and above 0.24, so neither PP3 nor BP4 can be applied. To our knowledge, neither relevant clinical data nor well-stablished functional studies have been reported for this variant. This variant has been reported in ClinVar (5x uncertain significance) but not in LOVD database. Based on currently available information, the variant c.1222G>A should be considered an uncertain significance variant according to ACMG Classification Rules Specified for ATM v1.1.

Ambry Genetics
Classification: Uncertain significance for Hereditary cancer-predisposing syndrome. Last evaluated: 2024-11-21. Review status: criteria provided, single submitter. Criteria: Ambry Variant Classification Scheme 2023. Collection method: clinical testing. Allele origin: germline.
Comment: The p.D408N variant (also known as c.1222G>A), located in coding exon 8 of the ATM gene, results from a G to A substitution at nucleotide position 1222. The aspartic acid at codon 408 is replaced by asparagine, an amino acid with highly similar properties. This amino acid position is not well conserved in available vertebrate species. In addition, this alteration is predicted to be tolerated by in silico analysis. Based on the available evidence, the clinical significance of this variant remains unclear.

Color Diagnostics, LLC DBA Color Health
Classification: Uncertain significance for Hereditary cancer-predisposing syndrome. Last evaluated: 2024-01-16. Review status: criteria provided, single submitter. Criteria: ACMG Guidelines, 2015. Collection method: clinical testing. Allele origin: germline.
Comment: This missense variant replaces aspartic acid with asparagine at codon 408 of the ATM protein. Computational prediction tool suggests that this variant may not impact protein structure and function. To our knowledge, functional studies have not been performed for this variant. This variant has not been reported in individuals affected with hereditary cancer in the literature. This variant has not been identified in the general population by the Genome Aggregation Database (gnomAD). The available evidence is insufficient to determine the role of this variant in disease conclusively. Therefore, this variant is classified as a Variant of Uncertain Significance.

Quest Diagnostics Nichols Institute San Juan Capistrano
Classification: Uncertain significance. Last evaluated: 2021-08-03. Review status: criteria provided, single submitter. Criteria: Quest Diagnostics criteria. Collection method: clinical testing. Allele origin: unknown.

Natera, Inc.
Classification: Uncertain significance for Ataxia-telangiectasia. Last evaluated: 2021-07-01. Review status: no assertion criteria provided. Collection method: clinical testing. Allele origin: germline. Not counted in ClinVar's aggregate classification.